The following is an entry in ClinVar:

NM_001202.6(BMP4):c.295A>G (p.Ile99Val)

Gene: BMP4 (bone morphogenetic protein 4; minus strand). Cytogenetic location: 14q22.2.
Variant type: single nucleotide variant.
Coding change: c.295A>G on transcript NM_001202.6 (MANE Select); coding-DNA position 295, A replaced by G.
Protein change: p.Ile99Val; replaces isoleucine 99 with valine.
Molecular consequence: missense variant.
Genome position (GRCh38, 1-based): chr14:53,951,928, T>C on the plus strand (A>G on the coding strand, the complement: BMP4 is on the minus strand). VCF-style: chr14-53951928-T-C. GRCh37 (hg19) VCF-style: chr14-54418646-T-C.
Other names: c.436A>G, p.Ile146Val (NM_001347912.1); c.106A>G, p.Ile36Val (NM_001347913.2, NM_001347915.2, NM_001347917.1); c.295A>G, p.Ile99Val (NM_001347914.2, NM_001347916.1, NM_130850.5 and 1 more transcripts); short protein forms I146V, I99V, I36V.
Identifiers: ClinVar variation 1484975 (VCV001484975.8), dbSNP rs1417794324, ClinGen allele CA389785155.

ClinVar aggregate classification (germline): Uncertain significance (1 of 4 stars; one submission).

Conditions:
Microphthalmia with brain and digit anomalies (MCOPS6). Also called: MICROPHTHALMIA AND PITUITARY ANOMALIES; Microphthalmia, syndromic 6. Identifiers: Orphanet 139471, MedGen C1864689, MONDO:0011936, OMIM 607932.
Orofacial cleft 11 (OFC11). Also called: CLEFT LIP WITH OR WITHOUT CLEFT PALATE, NONSYNDROMIC, 11; Orofacial cleft 11; ofc11. Identifiers: MedGen C2677434, MONDO:0010906, OMIM 600625.

Allele frequency attached by ClinVar (database versions not stated): gnomAD exomes below 0.00001.
gnomAD v4.1: 2 of 1,605,994 alleles (0.00012%); highest among the groups gnomAD compares: Non-Finnish European, 0.00017%; no homozygotes.

Submission:

Labcorp Genetics (formerly Invitae), Labcorp
Classification: Uncertain significance for Microphthalmia with brain and digit anomalies; Orofacial cleft 11. Last evaluated: 2021-09-05. Review status: criteria provided, single submitter. Criteria: Invitae Variant Classification Sherloc (09022015). Collection method: clinical testing. Allele origin: germline.
Comment: In summary, the available evidence is currently insufficient to determine the role of this variant in disease. Therefore, it has been classified as a Variant of Uncertain Significance. Algorithms developed to predict the effect of missense changes on protein structure and function output the following: SIFT: "Tolerated"; PolyPhen-2: "Benign"; Align-GVGD: "Class C0". The valine amino acid residue is found in multiple mammalian species, suggesting that this missense change does not adversely affect protein function. These predictions have not been confirmed by published functional studies and their clinical significance is uncertain. This variant has not been reported in the literature in individuals with BMP4-related conditions. This variant is not present in population databases (ExAC no frequency). This sequence change replaces isoleucine with valine at codon 99 of the BMP4 protein (p.Ile99Val). The isoleucine residue is weakly conserved and there is a small physicochemical difference between isoleucine and valine.